The following is an entry in ClinVar:

ClinVar aggregate classification (germline): Likely benign (1 of 4 stars; one submission).

Allele frequency attached by ClinVar (database versions not stated): 1000 Genomes Project 30x 0.00094; 1000 Genomes Project 0.00100; gnomAD 0.00213; ESP Exome Variant Server 0.00238; TOPMed 0.00269; ExAC 0.00278; gnomAD exomes 0.00293.

Submission:

CeGaT Center for Human Genetics Tuebingen
Classification: Likely benign. Last evaluated: 2022-03-01. Review status: criteria provided, single submitter. Criteria: CeGaT Center For Human Genetics Tuebingen Variant Classification Criteria Version 2. Collection method: clinical testing. Allele origin: germline. Affected: yes. Observed: 1 variant allele.
Comment: OXA1L: BP4, BS3:Supporting, BS1

NC_000014.9:g.22766613G>C

Gene: OXA1L (OXA1L mitochondrial inner membrane insertase; plus strand). Cytogenetic location: 14q11.2.
Variant type: single nucleotide variant.
Genome position: GRCh38 VCF-style: chr14-22766613-G-C. GRCh37 (hg19) VCF-style: chr14-23235822-G-C.
Identifiers: ClinVar variation 2644074 (VCV002644074.22), dbSNP rs143108324, ClinGen allele CA7103758.